The following is an entry in ClinVar:

NM_002202.3(ISL1):c.825T>C (p.Gly275=)

Gene: ISL1 (ISL LIM homeobox 1; plus strand). Cytogenetic location: 5q11.1.
Variant type: single nucleotide variant.
Coding change: c.825T>C on transcript NM_002202.3 (MANE Select); coding-DNA position 825, T replaced by C.
Protein change: p.Gly275=; no amino-acid change (glycine 275 retained).
Molecular consequence: synonymous variant.
Genome position (GRCh38, 1-based): chr5:51,391,333, T>C. VCF-style: chr5-51391333-T-C. GRCh37 (hg19) VCF-style: chr5-50687167-T-C.
Identifiers: ClinVar variation 3355001 (VCV003355001.1).
Genomic context (GRCh38, chr5:51,391,333, plus strand): 5'-GAATATCCAGGGGATGACAGGAACTCCCATGGTGGCTGCCAGTCCAGAGAGACACGACGG[T>C]GGCTTACAGGCTAACCCAGTGGAAGTACAAAGTTACCAGCCACCTTGGAAAGTACTGAGC-3'
Protein context (NP_002193.2, residues 265-285): MVAASPERHD[Gly275=]GLQANPVEVQ

ClinVar aggregate classification (germline): Likely benign (0 of 4 stars; one submission).

Conditions:
ISL1-related disorder. Also called: ISL1-related condition.

gnomAD v4.1: 16 of 1,611,776 alleles (0.00099%); highest among the groups gnomAD compares: Admixed American, 0.025%; no homozygotes.

Submission:

PreventionGenetics, part of Exact Sciences
Classification: Likely benign for ISL1-related condition. Last evaluated: 2023-11-29. Review status: no assertion criteria provided. Collection method: clinical testing. Allele origin: germline.
Comment: This variant is classified as likely benign based on ACMG/AMP sequence variant interpretation guidelines (Richards et al. 2015 PMID: 25741868, with internal and published modifications).